The following is an entry in ClinVar:

ClinVar aggregate classification (germline): Uncertain significance (1 of 4 stars; one submission).

Conditions:
Congenital sideroblastic anemia-B-cell immunodeficiency-periodic fever-developmental delay syndrome. Also called: Sideroblastic anemia with B-cell immunodeficiency, periodic fevers, and developmental delay. Identifiers: Orphanet 369861, MedGen C4015172, MONDO:0014487, OMIM 616084.

Allele frequency attached by ClinVar (database versions not stated): TOPMed below 0.00001; gnomAD 0.00001.
gnomAD v4.1: 25 of 1,583,426 alleles (0.0016%); highest among the groups gnomAD compares: Non-Finnish European, 0.0021%; no homozygotes.

Submission:

Labcorp Genetics (formerly Invitae), Labcorp
Classification: Uncertain significance for Congenital sideroblastic anemia-B-cell immunodeficiency-periodic fever-developmental delay syndrome. Last evaluated: 2024-01-24. Review status: criteria provided, single submitter. Criteria: Invitae Variant Classification Sherloc (09022015). Collection method: clinical testing. Allele origin: germline.
Comment: This sequence change replaces arginine, which is basic and polar, with lysine, which is basic and polar, at codon 182 of the TRNT1 protein (p.Arg182Lys). This variant is present in population databases (no rsID available, gnomAD 0.0009%). This variant has not been reported in the literature in individuals affected with TRNT1-related conditions. Advanced modeling of protein sequence and biophysical properties (such as structural, functional, and spatial information, amino acid conservation, physicochemical variation, residue mobility, and thermodynamic stability) performed at Invitae indicates that this missense variant is not expected to disrupt TRNT1 protein function with a negative predictive value of 80%. In summary, the available evidence is currently insufficient to determine the role of this variant in disease. Therefore, it has been classified as a Variant of Uncertain Significance.

NM_182916.3(TRNT1):c.545G>A (p.Arg182Lys)

Gene: TRNT1 (tRNA nucleotidyl transferase 1; plus strand). Cytogenetic location: 3p26.2.
Variant type: single nucleotide variant.
Coding change: c.545G>A on transcript NM_182916.3 (MANE Select); coding-DNA position 545, G replaced by A.
Protein change: p.Arg182Lys; replaces arginine 182 with lysine.
Molecular consequence: missense variant. On other transcripts: non-coding transcript variant (8).
Genome position (GRCh38, 1-based): chr3:3,144,647, G>A. VCF-style: chr3-3144647-G-A. GRCh37 (hg19) VCF-style: chr3-3186331-G-A.
Other names: c.545G>A, p.Arg182Lys (NM_001302946.2, NM_001367321.1, NM_001367322.1 and 1 more transcripts); short protein forms R182K.
Identifiers: ClinVar variation 2753472 (VCV002753472.3), dbSNP rs1215520219, ClinGen allele CA351445186.
Genomic context (GRCh38, chr3:3,144,647, plus strand): 5'-TTGATGGCACTTTATTTGACTACTTTAATGGTTATGAAGATTTAAAAAATAAGAAAGTTA[G>A]ATTTGTTGGACATGCTAAACAGAGAATACAAGAGGATTATCTTAGAATTTTAAGATACTT-3'
Protein context (NP_886552.3, residues 172-192): GYEDLKNKKV[Arg182Lys]FVGHAKQRIQ